The following is an entry in ClinVar:

ClinVar aggregate classification (germline): Uncertain significance (1 of 4 stars; one submission).

Conditions:
STING-associated vasculopathy with onset in infancy. Also called: Sting-associated vasculopathy, infantile-onset. Identifiers: Orphanet 425120, MedGen C4014722, MONDO:0014405, OMIM 615934.

Allele frequency attached by ClinVar (database versions not stated): TOPMed below 0.00001; gnomAD exomes 0.00001.
gnomAD v4.1: 12 of 1,614,138 alleles (0.00074%); highest among the groups gnomAD compares: Middle Eastern, 0.033%; no homozygotes.

Submission:

Labcorp Genetics (formerly Invitae), Labcorp
Classification: Uncertain significance for STING-associated vasculopathy with onset in infancy. Last evaluated: 2024-10-22. Review status: criteria provided, single submitter. Criteria: Invitae Variant Classification Sherloc (09022015). Collection method: clinical testing. Allele origin: germline.
Comment: This sequence change replaces aspartic acid, which is acidic and polar, with tyrosine, which is neutral and polar, at codon 237 of the TMEM173 protein (p.Asp237Tyr). This variant is present in population databases (no rsID available, gnomAD 0.003%). This variant has not been reported in the literature in individuals affected with TMEM173-related conditions. ClinVar contains an entry for this variant (Variation ID: 1046604). Invitae Evidence Modeling of protein sequence and biophysical properties (such as structural, functional, and spatial information, amino acid conservation, physicochemical variation, residue mobility, and thermodynamic stability) indicates that this missense variant is not expected to disrupt TMEM173 protein function with a negative predictive value of 80%. In summary, the available evidence is currently insufficient to determine the role of this variant in disease. Therefore, it has been classified as a Variant of Uncertain Significance.

NM_198282.4(STING1):c.709G>T (p.Asp237Tyr)

Gene: STING1 (stimulator of interferon response cGAMP interactor 1; minus strand). Cytogenetic location: 5q31.2.
Variant type: single nucleotide variant.
Coding change: c.709G>T on transcript NM_198282.4 (MANE Select); coding-DNA position 709, G replaced by T.
Protein change: p.Asp237Tyr; replaces aspartic acid 237 with tyrosine.
Molecular consequence: missense variant.
Genome position (GRCh38, 1-based): chr5:139,478,320, C>A on the plus strand (G>T on the coding strand, the complement: STING1 is on the minus strand). VCF-style: chr5-139478320-C-A. GRCh37 (hg19) VCF-style: chr5-138857905-C-A.
Other names: c.709G>T, p.Asp237Tyr (NM_001301738.2); c.352G>T, p.Asp118Tyr (NM_001367258.1); short protein forms D118Y, D237Y.
Identifiers: ClinVar variation 1046604 (VCV001046604.9), dbSNP rs1291110297, ClinGen allele CA361479934.
Genomic context (GRCh38, chr5:139,478,320, plus strand): 5'-GCACACTTACCCGCTGCCCGTTCTCCAGAAGCTCATAGATGCTGTTGCTGTAAACCCGAT[C>A]CTTGATGCCAGCATGGTCACCGGTCTGCTGGGGCAGTTTATCCAGGAAGCGAATGTTGGG-3'
Protein context (NP_938023.1, residues 227-247): QQTGDHAGIK[Asp237Tyr]RVYSNSIYEL